The following is an entry in ClinVar:

NM_007289.4(MME):c.1672G>A (p.Gly558Ser)

Gene: MME (membrane metalloendopeptidase; plus strand). Cytogenetic location: 3q25.2.
Variant type: single nucleotide variant.
Coding change: c.1672G>A on transcript NM_007289.4 (MANE Select); coding-DNA position 1672, G replaced by A.
Protein change: p.Gly558Ser; replaces glycine 558 with serine.
Molecular consequence: missense variant.
Genome position (GRCh38, 1-based): chr3:155,166,913, G>A. VCF-style: chr3-155166913-G-A. GRCh37 (hg19) VCF-style: chr3-154884702-G-A.
Other names: c.1672G>A, p.Gly558Ser (NM_000902.5, NM_001354642.2, NM_001354643.1 and 2 more transcripts); short protein forms G558S.
Identifiers: ClinVar variation 1473028 (VCV001473028.37), dbSNP rs200645368, ClinGen allele CA86315577.

ClinVar aggregate classification (germline): Uncertain significance. Review status: criteria provided, multiple submitters, no conflicts (2 of 4 stars). 5 submissions from 5 submitters: Uncertain significance (5). Last evaluated 2026-04-29.

Conditions:
Inborn genetic diseases. Identifiers: MedGen C0950123, MeSH D030342.

Allele frequency attached by ClinVar (database versions not stated): TOPMed below 0.00001; gnomAD exomes 0.00002 and 0.00003.
gnomAD v4.1: 38 of 1,613,572 alleles (0.0024%); highest among the groups gnomAD compares: East Asian, 0.0045%; no homozygotes.

Submissions (5):

Women's Health and Genetics/Laboratory Corporation of America, LabCorp
Classification: Uncertain significance. Last evaluated: 2026-04-29. Review status: criteria provided, single submitter. Criteria: LabCorp Variant Classification Summary - May 2015. Collection method: clinical testing. Allele origin: germline.
Comment: Variant summary: MME c.1672G>A (p.Gly558Ser) results in a non-conservative amino acid change in the encoded protein sequence. Algorithms developed to predict the effect of missense changes on protein structure and function all suggest that this variant is likely to be disruptive. The variant allele was found at a frequency of 2e-05 in 251116 control chromosomes. The available data on variant occurrences in the general population are insufficient to allow any conclusion about variant significance. To our knowledge, no occurrence of c.1672G>A in individuals affected with MME-related conditions and no experimental evidence demonstrating its impact on protein function have been reported. ClinVar contains an entry for this variant (Variation ID: 1473028). Based on the evidence outlined above, the variant was classified as uncertain significance.

GeneDx
Classification: Uncertain significance. Last evaluated: 2026-01-22. Review status: criteria provided, single submitter. Criteria: GeneDx Variant Classification Process June 2021. Collection method: clinical testing. Allele origin: germline.
Comment: In silico analysis supports that this missense variant has a deleterious effect on protein structure/function; Has not been previously published as pathogenic or benign to our knowledge

Ambry Genetics
Classification: Uncertain significance for Inborn genetic diseases. Last evaluated: 2025-07-16. Review status: criteria provided, single submitter. Criteria: Ambry Variant Classification Scheme 2023. Collection method: clinical testing. Allele origin: germline.

CeGaT Center for Human Genetics Tuebingen
Classification: Uncertain significance. Last evaluated: 2023-01-01. Review status: criteria provided, single submitter. Criteria: CeGaT Center For Human Genetics Tuebingen Variant Classification Criteria Version 2. Collection method: clinical testing. Allele origin: germline. Affected: yes. Observed: 1 variant allele.
Comment: MME: PM2, PP3, PP4

Labcorp Genetics (formerly Invitae), Labcorp
Classification: Uncertain significance. Last evaluated: 2022-07-19. Review status: criteria provided, single submitter. Criteria: Invitae Variant Classification Sherloc (09022015). Collection method: clinical testing. Allele origin: germline.
Comment: This sequence change replaces glycine, which is neutral and non-polar, with serine, which is neutral and polar, at codon 558 of the MME protein (p.Gly558Ser). This variant is present in population databases (rs200645368, gnomAD 0.01%). This variant has not been reported in the literature in individuals affected with MME-related conditions. ClinVar contains an entry for this variant (Variation ID: 1473028). Algorithms developed to predict the effect of missense changes on protein structure and function (SIFT, PolyPhen-2, Align-GVGD) all suggest that this variant is likely to be disruptive. In summary, the available evidence is currently insufficient to determine the role of this variant in disease. Therefore, it has been classified as a Variant of Uncertain Significance.